The following is an entry in ClinVar:

ClinVar aggregate classification (germline): Uncertain significance (1 of 4 stars; one submission).

Allele frequency attached by ClinVar (database versions not stated): gnomAD exomes below 0.00001; gnomAD 0.00001; TOPMed 0.00001; ESP Exome Variant Server 0.00008.
gnomAD v4.1: 8 of 1,599,398 alleles (0.0005%); highest among the groups gnomAD compares: African/African-American, 0.0095%; no homozygotes.

Submission:

Labcorp Genetics (formerly Invitae), Labcorp
Classification: Uncertain significance. Last evaluated: 2024-11-11. Review status: criteria provided, single submitter. Criteria: Invitae Variant Classification Sherloc (09022015). Collection method: clinical testing. Allele origin: germline.
Comment: This sequence change replaces proline, which is neutral and non-polar, with arginine, which is basic and polar, at codon 1158 of the ARHGEF18 protein (p.Pro1158Arg). This variant is not present in population databases (gnomAD no frequency). This variant has not been reported in the literature in individuals affected with ARHGEF18-related conditions. ClinVar contains an entry for this variant (Variation ID: 1461279). An algorithm developed to predict the effect of missense changes on protein structure and function (PolyPhen-2) suggests that this variant is likely to be tolerated. In summary, the available evidence is currently insufficient to determine the role of this variant in disease. Therefore, it has been classified as a Variant of Uncertain Significance.

NM_001367823.1(ARHGEF18):c.4037C>G (p.Pro1346Arg)

Gene: ARHGEF18 (Rho/Rac guanine nucleotide exchange factor 18; plus strand). Cytogenetic location: 19p13.2.
Variant type: single nucleotide variant.
Coding change: c.4037C>G on transcript NM_001367823.1 (MANE Select); coding-DNA position 4037, C replaced by G.
Protein change: p.Pro1346Arg; replaces proline 1346 with arginine.
Molecular consequence: missense variant.
Genome position (GRCh38, 1-based): chr19:7,470,249, C>G. VCF-style: chr19-7470249-C-G. GRCh37 (hg19) VCF-style: chr19-7535135-C-G.
Other names: c.3311C>G, p.Pro1104Arg (NM_001130955.2); c.2999C>G, p.Pro1000Arg (NM_001367824.1, NM_015318.4); short protein forms P1104R, P1000R, P1346R.
Identifiers: ClinVar variation 1461279 (VCV001461279.6), dbSNP rs141002616, ClinGen allele CA304858765.